The following is an entry in ClinVar:

NM_032608.7(MYO18B):c.2875C>T (p.Arg959Trp)

Gene: MYO18B (myosin XVIIIB; plus strand). Cytogenetic location: 22q12.1.
Variant type: single nucleotide variant.
Coding change: c.2875C>T on transcript NM_032608.7 (MANE Select); coding-DNA position 2875, C replaced by T.
Protein change: p.Arg959Trp; replaces arginine 959 with tryptophan.
Molecular consequence: missense variant.
Genome position (GRCh38, 1-based): chr22:25,828,864, C>T. VCF-style: chr22-25828864-C-T. GRCh37 (hg19) VCF-style: chr22-26224831-C-T.
Other names: c.2875C>T, p.Arg959Trp (NM_001318245.2); short protein forms R959W.
Identifiers: ClinVar variation 1485520 (VCV001485520.3), dbSNP rs766043338, ClinGen allele CA10160358.

ClinVar aggregate classification (germline): Uncertain significance (1 of 4 stars; one submission).

Allele frequency attached by ClinVar (database versions not stated): gnomAD exomes below 0.00001 and 0.00001; TOPMed below 0.00001; ExAC 0.00001; gnomAD 0.00001.
gnomAD v4.1: 11 of 1,613,864 alleles (0.00068%); highest among the groups gnomAD compares: Admixed American, 0.0017%; no homozygotes.

Submission:

Labcorp Genetics (formerly Invitae), Labcorp
Classification: Uncertain significance. Last evaluated: 2022-07-12. Review status: criteria provided, single submitter. Criteria: Invitae Variant Classification Sherloc (09022015). Collection method: clinical testing. Allele origin: germline.
Comment: This sequence change replaces arginine, which is basic and polar, with tryptophan, which is neutral and slightly polar, at codon 959 of the MYO18B protein (p.Arg959Trp). The frequency data for this variant in the population databases is considered unreliable, as metrics indicate poor data quality at this position in the gnomAD database. This variant has not been reported in the literature in individuals affected with MYO18B-related conditions. ClinVar contains an entry for this variant (Variation ID: 1485520). Algorithms developed to predict the effect of missense changes on protein structure and function are either unavailable or do not agree on the potential impact of this missense change (SIFT: "Not Available"; PolyPhen-2: "Probably Damaging"; Align-GVGD: "Not Available"). In summary, the available evidence is currently insufficient to determine the role of this variant in disease. Therefore, it has been classified as a Variant of Uncertain Significance.